The following is an entry in ClinVar:

ClinVar aggregate classification (germline): Likely pathogenic (1 of 4 stars; one submission).

Allele frequency attached by ClinVar (database versions not stated): gnomAD exomes below 0.00001.
gnomAD v4.1: 3 of 1,612,250 alleles (0.00019%); highest among the groups gnomAD compares: Non-Finnish European, 0.00025%; no homozygotes.

Submission:

Labcorp Genetics (formerly Invitae), Labcorp
Classification: Likely pathogenic. Last evaluated: 2022-06-05. Review status: criteria provided, single submitter. Criteria: Invitae Variant Classification Sherloc (09022015). Collection method: clinical testing. Allele origin: germline.
Comment: In summary, the currently available evidence indicates that the variant is pathogenic, but additional data are needed to prove that conclusively. Therefore, this variant has been classified as Likely Pathogenic. Algorithms developed to predict the effect of sequence changes on RNA splicing suggest that this variant may disrupt the consensus splice site. This variant has not been reported in the literature in individuals affected with GNPAT-related conditions. This variant is not present in population databases (gnomAD no frequency). This sequence change affects an acceptor splice site in intron 11 of the GNPAT gene. It is expected to disrupt RNA splicing. Variants that disrupt the donor or acceptor splice site typically lead to a loss of protein function (PMID: 16199547), and loss-of-function variants in GNPAT are known to be pathogenic (PMID: 9536089, 21990100).

Literature cited by the submitters: PubMed 16199547; PubMed 9536089; PubMed 21990100.

NM_014236.4(GNPAT):c.1603-1G>C

Gene: GNPAT (glyceronephosphate O-acyltransferase; plus strand). Cytogenetic location: 1q42.2.
Variant type: single nucleotide variant.
Coding change: c.1603-1G>C on transcript NM_014236.4 (MANE Select); the canonical splice acceptor site of the intron before coding-DNA position 1603, G replaced by C.
Molecular consequence: splice acceptor variant.
Genome position (GRCh38, 1-based): chr1:231,273,921, G>C. VCF-style: chr1-231273921-G-C. GRCh37 (hg19) VCF-style: chr1-231409667-G-C.
Other names: c.1420-1G>C (NM_001316350.2).
Identifiers: ClinVar variation 1898893 (VCV001898893.5), dbSNP rs2527044242, ClinGen allele CA345239067.